The following is an entry in ClinVar:

NM_206933.4(USH2A):c.4378G>T (p.Gly1460Ter)

Gene: USH2A (usherin; minus strand). Cytogenetic location: 1q41.
Variant type: single nucleotide variant.
Coding change: c.4378G>T on transcript NM_206933.4 (MANE Select); coding-DNA position 4378, G replaced by T.
Protein change: p.Gly1460Ter; replaces glycine 1460 with a stop codon.
Molecular consequence: nonsense.
Genome position (GRCh38, 1-based): chr1:216,190,241, C>A on the plus strand (G>T on the coding strand, the complement: USH2A is on the minus strand). VCF-style: chr1-216190241-C-A. GRCh37 (hg19) VCF-style: chr1-216363583-C-A.
Other names: c.4378G>T, p.Gly1460Ter (NM_007123.6); short protein forms G1460*.
Identifiers: ClinVar variation 2169958 (VCV002169958.4), dbSNP rs139311927, ClinGen allele CA344865106.

ClinVar aggregate classification (germline): Pathogenic (1 of 4 stars; one submission).

Submission:

Labcorp Genetics (formerly Invitae), Labcorp
Classification: Pathogenic. Last evaluated: 2022-10-13. Review status: criteria provided, single submitter. Criteria: Invitae Variant Classification Sherloc (09022015). Collection method: clinical testing. Allele origin: germline.
Comment: This sequence change creates a premature translational stop signal (p.Gly1460*) in the USH2A gene. It is expected to result in an absent or disrupted protein product. Loss-of-function variants in USH2A are known to be pathogenic (PMID: 10729113, 10909849, 20507924, 25649381). This variant is not present in population databases (gnomAD no frequency). This variant has not been reported in the literature in individuals affected with USH2A-related conditions. Algorithms developed to predict the effect of sequence changes on RNA splicing suggest that this variant may disrupt the consensus splice site. For these reasons, this variant has been classified as Pathogenic.

Literature cited by the submitters: PubMed 10729113; PubMed 10909849; PubMed 20507924; PubMed 25649381.